The following is an entry in ClinVar:

ClinVar aggregate classification (germline): Uncertain significance (1 of 4 stars; one submission).

gnomAD v4.1: 5 of 1,614,072 alleles (0.00031%); highest among the groups gnomAD compares: East Asian, 0.011%; no homozygotes.

Submission:

GeneDx
Classification: Uncertain significance. Last evaluated: 2024-07-09. Review status: criteria provided, single submitter. Criteria: GeneDx Variant Classification Process June 2021. Collection method: clinical testing. Allele origin: germline. Affected: yes.
Comment: Not observed at significant frequency in large population cohorts (gnomAD); In silico analysis indicates that this missense variant does not alter protein structure/function; Has not been previously published as pathogenic or benign to our knowledge

NM_018489.3(ASH1L):c.2381C>G (p.Ala794Gly)

Gene: ASH1L (ASH1 like histone lysine methyltransferase; minus strand). Cytogenetic location: 1q22.
Variant type: single nucleotide variant.
Coding change: c.2381C>G on transcript NM_018489.3 (MANE Select); coding-DNA position 2381, C replaced by G.
Protein change: p.Ala794Gly; replaces alanine 794 with glycine.
Molecular consequence: missense variant.
Genome position (GRCh38, 1-based): chr1:155,480,489, G>C on the plus strand (C>G on the coding strand, the complement: ASH1L is on the minus strand). VCF-style: chr1-155480489-G-C. GRCh37 (hg19) VCF-style: chr1-155450280-G-C.
Other names: c.2381C>G, p.Ala794Gly (NM_001366177.2); short protein forms A794G.
Identifiers: ClinVar variation 3572792 (VCV003572792.1).